The following is an entry in ClinVar:

ClinVar aggregate classification (germline): Uncertain significance (1 of 4 stars; one submission).

Conditions:
Congenital contractural arachnodactyly (CCA). Also called: Beals-Hecht syndrome; BEALS SYNDROME; Arthrogryposis, distal, type 9. Identifiers: Orphanet 115, MedGen C0220668, MONDO:0007363, OMIM 121050.

Submission:

Labcorp Genetics (formerly Invitae), Labcorp
Classification: Uncertain significance for Congenital contractural arachnodactyly. Last evaluated: 2025-09-10. Review status: criteria provided, single submitter. Criteria: Invitae Variant Classification Sherloc (09022015). Collection method: clinical testing. Allele origin: germline.
Comment: This sequence change replaces isoleucine, which is neutral and non-polar, with valine, which is neutral and non-polar, at codon 328 of the FBN2 protein (p.Ile328Val). This variant is not present in population databases (gnomAD no frequency). This variant has not been reported in the literature in individuals affected with FBN2-related conditions. Invitae Evidence Modeling of protein sequence and biophysical properties (such as structural, functional, and spatial information, amino acid conservation, physicochemical variation, residue mobility, and thermodynamic stability) indicates that this missense variant is not expected to disrupt FBN2 protein function with a negative predictive value of 80%. In summary, the available evidence is currently insufficient to determine the role of this variant in disease. Therefore, it has been classified as a Variant of Uncertain Significance.

NM_001999.4(FBN2):c.982A>G (p.Ile328Val)

Gene: FBN2 (fibrillin 2; minus strand). Cytogenetic location: 5q23.3.
Variant type: single nucleotide variant.
Coding change: c.982A>G on transcript NM_001999.4 (MANE Select); coding-DNA position 982, A replaced by G.
Protein change: p.Ile328Val; replaces isoleucine 328 with valine.
Molecular consequence: missense variant.
Genome position (GRCh38, 1-based): chr5:128,408,770, T>C on the plus strand (A>G on the coding strand, the complement: FBN2 is on the minus strand). VCF-style: chr5-128408770-T-C. GRCh37 (hg19) VCF-style: chr5-127744463-T-C.
Other names: short protein forms I328V.
Identifiers: ClinVar variation 4738244 (VCV004738244.1).